The following is an entry in ClinVar:

NM_000552.5(VWF):c.533-3C>G

Gene: VWF (von Willebrand factor; minus strand). Cytogenetic location: 12p13.31.
Variant type: single nucleotide variant.
Coding change: c.533-3C>G on transcript NM_000552.5 (MANE Select); 3 bases into the intron before coding-DNA position 533, C replaced by G.
Molecular consequence: intron variant.
Genome position (GRCh38, 1-based): chr12:6,095,587, G>C on the plus strand (C>G on the coding strand, the complement: VWF is on the minus strand). VCF-style: chr12-6095587-G-C. GRCh37 (hg19) VCF-style: chr12-6204753-G-C.
Identifiers: ClinVar variation 1065261 (VCV001065261.3), dbSNP rs2136500500, ClinGen allele CA1139532617.
Genomic context (GRCh38, chr12:6,095,587, plus strand): 5'-TCTCCACTGCTCAGAGCCCATGAGTTGGCAAAGTCATAAGGGTCCGAGGTCAAGGTCCCT[G>C]TGGAGGAAAGTTTCAGGAAAGTAATGCTTCAGTTATGCCTGTCCCAGAACTTCTGGGTGA-3'

ClinVar aggregate classification (germline): Uncertain significance (0 of 4 stars; one submission).

Conditions:
von Willebrand disease type 3 (VWD3). Also called: Type 3 Von Willebrand's disease; Type 3 VWD; Von Willebrand disease, severe form; V WD3; VON WILLEBRAND DISEASE, TYPE III. Identifiers: Orphanet 166096, MedGen C1264041, MONDO:0010191, OMIM 277480.

Allele frequency attached by ClinVar (database versions not stated): gnomAD exomes below 0.00001.
gnomAD v4.1: 1 of 1,614,186 alleles (0.000062%); highest among the groups gnomAD compares: Non-Finnish European, 0.000085%; no homozygotes.

Submission:

Angelo Bianchi Bonomi Hemophilia and Thrombosis Center, Fondazione IRCCS Ca Granda Ospedale Maggiore Policlinico
Classification: Uncertain significance for von Willebrand disease type 3. Last evaluated: 2020-11-01. Review status: no assertion criteria provided. Collection method: clinical testing. Allele origin: germline. Affected: yes. Study: Type 3 Von Willebrand International Registries Inhibitor Prospective Study (3WINTERS-IPS).
Comment: ClinGen Pathogenicity Calculator